The following is an entry in ClinVar:

NM_001008537.3(NEXMIF):c.2031dup (p.Ala678fs)

Gene: NEXMIF (neurite extension and migration factor; minus strand). Cytogenetic location: Xq13.3.
Variant type: Duplication.
Coding change: c.2031dup on transcript NM_001008537.3 (MANE Select); coding-DNA position 2031, one base duplicated (A; older notation c.2031dupA).
Protein change: p.Ala678fs; shifts the reading frame from alanine 678.
Molecular consequence: frameshift variant.
Genome position (GRCh38, 1-based): chrX:74,742,526, T duplicated on the plus strand (A on the coding strand, the reverse complement: NEXMIF is on the minus strand). VCF-style (leftmost placement, unchanged base first): chrX-74742525-C-CT. GRCh37 (hg19) VCF-style: chrX-73962360-C-CT.
Other names: short protein forms A678fs.
Identifiers: ClinVar variation 817895 (VCV000817895.1), dbSNP rs1602211981, ClinGen allele CA915951286.

ClinVar aggregate classification (germline): Pathogenic (1 of 4 stars; one submission).

Submission:

GeneDx
Classification: Pathogenic. Last evaluated: 2018-11-21. Review status: criteria provided, single submitter. Criteria: GeneDx Variant Classification (06012015). Collection method: clinical testing. Allele origin: germline. Affected: yes.
Comment: The c.2031dupA variant in the KIAA2022 gene has not been reported previously as a pathogenic variant nor as a benign variant, to our knowledge. The c.2031dupA variant causes a frameshift starting with codon Alanine 678, changes this amino acid to a Serine residue, and creates a premature Stop codon at position 7 of the new reading frame, denoted p.Ala678SerfsX7. This variant is predicted to cause loss of normal protein function either through protein truncation or nonsense-mediated mRNA decay. The c.2031dupA variant is not observed in large population cohorts (Lek et al., 2016). We interpret c.2031dupA as a pathogenic variant.